The following is an entry in ClinVar:

ClinVar aggregate classification (germline): Pathogenic (1 of 4 stars; one submission).

Conditions:
Nemaline myopathy 2 (NEM2). Also called: Nemaline myopathy 2, autosomal recessive. Identifiers: MedGen C1850569, MONDO:0009725, OMIM 256030.

Submission:

Labcorp Genetics (formerly Invitae), Labcorp
Classification: Pathogenic for Nemaline myopathy 2. Last evaluated: 2021-09-08. Review status: criteria provided, single submitter. Criteria: Invitae Variant Classification Sherloc (09022015). Collection method: clinical testing. Allele origin: germline.
Comment: For these reasons, this variant has been classified as Pathogenic. This sequence change creates a premature translational stop signal (p.Thr1517Ilefs*19) in the NEB gene. It is expected to result in an absent or disrupted protein product. Loss-of-function variants in NEB are known to be pathogenic (PMID: 25205138). This variant is not present in population databases (ExAC no frequency). This variant has not been reported in the literature in individuals affected with NEB-related conditions.

Literature cited by the submitters: PubMed 25205138.

NM_001164508.2(NEB):c.4550del (p.Thr1517fs)

Gene: NEB (nebulin; minus strand). Cytogenetic location: 2q23.3.
Variant type: Deletion.
Coding change: c.4550del on transcript NM_001164508.2 (MANE Select); coding-DNA position 4550, one base deleted (C; older notation c.4550delC).
Protein change: p.Thr1517fs; shifts the reading frame from threonine 1517.
Molecular consequence: frameshift variant.
Genome position (GRCh38, 1-based): chr2:151,669,088, G deleted on the plus strand (C on the coding strand, the reverse complement: NEB is on the minus strand). VCF-style (leftmost placement, unchanged base first): chr2-151669087-AG-A. GRCh37 (hg19) VCF-style: chr2-152525601-AG-A.
Other names: c.4550del, p.Thr1517fs (NM_001164507.2, NM_001271208.2, NM_004543.5); short protein forms T1517fs.
Identifiers: ClinVar variation 1451969 (VCV001451969.6), dbSNP rs2154185730, ClinGen allele CA2573133218.